The following is an entry in ClinVar:

ClinVar aggregate classification (germline): Uncertain significance. Review status: criteria provided, multiple submitters, no conflicts (2 of 4 stars). 2 submissions from 2 submitters: Uncertain significance (2). Last evaluated 2022-06-13.

Conditions:
RYR1-related disorder. Also called: RYR1-related condition; RYR1-related disorders. Identifiers: MedGen CN239331.

gnomAD v4.1: 2 of 1,613,980 alleles (0.00012%); highest among the groups gnomAD compares: African/African-American, 0.0027%; no homozygotes.

Submissions (2):

Labcorp Genetics (formerly Invitae), Labcorp
Classification: Uncertain significance for RYR1-related disorder. Last evaluated: 2022-06-13. Review status: criteria provided, single submitter. Criteria: Invitae Variant Classification Sherloc (09022015). Collection method: clinical testing. Allele origin: germline.
Comment: This sequence change replaces arginine, which is basic and polar, with cysteine, which is neutral and slightly polar, at codon 3672 of the RYR1 protein (p.Arg3672Cys). The frequency data for this variant in the population databases is considered unreliable, as metrics indicate poor data quality at this position in the gnomAD database. This variant has not been reported in the literature in individuals affected with RYR1-related conditions. ClinVar contains an entry for this variant (Variation ID: 1311387). Algorithms developed to predict the effect of missense changes on protein structure and function are either unavailable or do not agree on the potential impact of this missense change (SIFT: "Deleterious"; PolyPhen-2: "Benign"; Align-GVGD: "Class C0"). In summary, the available evidence is currently insufficient to determine the role of this variant in disease. Therefore, it has been classified as a Variant of Uncertain Significance.

GeneDx
Classification: Uncertain significance. Last evaluated: 2020-01-29. Review status: criteria provided, single submitter. Criteria: GeneDx Variant Classification Process June 2021. Collection method: clinical testing. Allele origin: germline. Affected: yes.
Comment: Not observed at a significant frequency in large population cohorts (Lek et al., 2016); In silico analysis, which includes protein predictors and evolutionary conservation, supports a deleterious effect; Has not been previously published as pathogenic or benign to our knowledge

NM_000540.3(RYR1):c.11014C>T (p.Arg3672Cys)

Gene: RYR1 (ryanodine receptor 1; plus strand). Cytogenetic location: 19q13.2.
Variant type: single nucleotide variant.
Coding change: c.11014C>T on transcript NM_000540.3 (MANE Select); coding-DNA position 11014, C replaced by T.
Protein change: p.Arg3672Cys; replaces arginine 3672 with cysteine.
Molecular consequence: missense variant.
Genome position (GRCh38, 1-based): chr19:38,528,675, C>T. VCF-style: chr19-38528675-C-T. GRCh37 (hg19) VCF-style: chr19-39019315-C-T.
Other names: c.10999C>T, p.Arg3667Cys (NM_001042723.2); short protein forms R3667C, R3672C.
Identifiers: ClinVar variation 1311387 (VCV001311387.4), dbSNP rs765145018, ClinGen allele CA405649843.